The following is an entry in ClinVar:

ClinVar aggregate classification (germline): Pathogenic/Likely pathogenic. Review status: criteria provided, multiple submitters, no conflicts (2 of 4 stars). 4 submissions from 4 submitters: Pathogenic (1); Likely pathogenic (3). Last evaluated 2026-01-02.

Conditions:
MEDNIK syndrome (MEDNIK). Also called: ERYTHROKERATODERMIA VARIABILIS, KAMOURASKA TYPE. Identifiers: Orphanet 171851, MedGen C1836330, MONDO:0012251, OMIM 609313.
Inborn genetic diseases. Identifiers: MedGen C0950123, MeSH D030342.

Allele frequency attached by ClinVar (database versions not stated): gnomAD exomes below 0.00001 and 0.00001; TOPMed 0.00003; gnomAD 0.00006.
gnomAD v4.1: 12 of 1,550,586 alleles (0.00077%); highest among the groups gnomAD compares: Admixed American, 0.021%; no homozygotes.

Submissions (4):

Labcorp Genetics (formerly Invitae), Labcorp
Classification: Likely pathogenic. Last evaluated: 2026-01-02. Review status: criteria provided, single submitter. Criteria: Invitae Variant Classification Sherloc (09022015). Collection method: clinical testing. Allele origin: germline.
Comment: This sequence change affects a donor splice site in intron 3 of the AP1S1 gene. It is expected to disrupt RNA splicing. Variants that disrupt the donor or acceptor splice site typically lead to a loss of protein function (PMID: 16199547), and loss-of-function variants in AP1S1 are known to be pathogenic (PMID: 23423674, 19057675). This variant is present in population databases (no rsID available, gnomAD 0.008%). This variant has not been reported in the literature in individuals affected with AP1S1-related conditions. ClinVar contains an entry for this variant (Variation ID: 851525). Algorithms developed to predict the effect of sequence changes on RNA splicing suggest that this variant may disrupt the consensus splice site. In summary, the currently available evidence indicates that the variant is pathogenic, but additional data are needed to prove that conclusively. Therefore, this variant has been classified as Likely Pathogenic.

GeneDx
Classification: Pathogenic. Last evaluated: 2025-03-11. Review status: criteria provided, single submitter. Criteria: GeneDx Variant Classification Process June 2021. Collection method: clinical testing. Allele origin: germline. Affected: yes.
Comment: Canonical splice site variant predicted to result in a null allele in a gene for which loss of function is a known mechanism of disease; Has not been previously published as pathogenic or benign to our knowledge

Fulgent Genetics
Classification: Likely pathogenic for MEDNIK syndrome. Last evaluated: 2024-01-10. Review status: criteria provided, single submitter. Criteria: ACMG Guidelines, 2015. Collection method: clinical testing. Allele origin: germline.

Ambry Genetics
Classification: Likely pathogenic for Inborn genetic diseases. Last evaluated: 2022-05-02. Review status: criteria provided, single submitter. Criteria: Ambry Variant Classification Scheme 2023. Collection method: clinical testing. Allele origin: germline.
Comment: The c.291+2T>A intronic variant results from a T to A substitution two nucleotide(s) after coding exon 3 of the AP1S1 gene. Alterations that disrupt the canonical splice site are expected to cause aberrant splicing, resulting in an abnormal protein or a transcript that is subject to nonsense-mediated mRNA decay. Based on data from gnomAD, the A allele has an overall frequency of <0.01% (2/163312) total alleles studied. The highest observed frequency was 0.01% (2/25018) of Latino alleles. Based on the available evidence, this alteration is classified as likely pathogenic.

Literature cited by the submitters: PubMed 16199547 (cited by Labcorp Genetics (formerly Invitae), Labcorp); PubMed 23423674 (cited by Labcorp Genetics (formerly Invitae), Labcorp); PubMed 19057675 (cited by Labcorp Genetics (formerly Invitae), Labcorp).

NM_001283.5(AP1S1):c.291+2T>A

Genes: AP1S1 (adaptor related protein complex 1 subunit sigma 1; plus strand), LOC126860125 (BRD4-independent group 4 enhancer GRCh37_chr7:100799642-100800841; plus strand). Cytogenetic location: 7q22.1.
Variant type: single nucleotide variant.
Coding change: c.291+2T>A on transcript NM_001283.5 (MANE Select); the canonical splice donor site of the intron after coding-DNA position 291, T replaced by A.
Molecular consequence: splice donor variant.
Genome position (GRCh38, 1-based): chr7:101,157,487, T>A. VCF-style: chr7-101157487-T-A. GRCh37 (hg19) VCF-style: chr7-100800768-T-A.
Identifiers: ClinVar variation 851525 (VCV000851525.11), dbSNP rs1310110289, ClinGen allele CA368624480.